The following is an entry in ClinVar:

ClinVar aggregate classification (germline): Likely benign. Review status: criteria provided, multiple submitters, no conflicts (2 of 4 stars). 3 submissions from 3 submitters: Likely benign (3). Last evaluated 2026-01-05.

Conditions:
OPA1-related disorder. Also called: OPA1-related condition; OPA1-related disorders.

Allele frequency attached by ClinVar (database versions not stated): gnomAD 0.00001; TOPMed 0.00001; gnomAD exomes 0.00002 and 0.00008; ExAC 0.00007.
gnomAD v4.1: 33 of 1,613,828 alleles (0.002%); highest among the groups gnomAD compares: Admixed American, 0.035%; no homozygotes.

Submissions (3):

Labcorp Genetics (formerly Invitae), Labcorp
Classification: Likely benign. Last evaluated: 2026-01-05. Review status: criteria provided, single submitter. Criteria: Invitae Variant Classification Sherloc (09022015). Collection method: clinical testing. Allele origin: germline.

PreventionGenetics, part of Exact Sciences
Classification: Likely benign for OPA1-related condition. Last evaluated: 2025-12-18. Review status: criteria provided, single submitter. Criteria: ACMG Guidelines, 2015. Collection method: clinical testing. Allele origin: germline.
Comment: This variant is classified as likely benign based on ACMG/AMP sequence variant interpretation guidelines (Richards et al. 2015 PMID: 25741868, with internal and published modifications).

Blueprint Genetics
Classification: Likely benign. Last evaluated: 2022-08-01. Review status: criteria provided, single submitter. Criteria: ACMG Guidelines, 2015. Collection method: clinical testing. Allele origin: germline.

NM_130837.3(OPA1):c.765G>A (p.Thr255=)

Genes: OPA1 (OPA1 mitochondrial dynamin like GTPase; plus strand), OPA1-AS1 (OPA1 antisense RNA 1; minus strand). Cytogenetic location: 3q29.
Variant type: single nucleotide variant.
Coding change: c.765G>A on transcript NM_130837.3 (MANE Select); coding-DNA position 765, G replaced by A.
Protein change: p.Thr255=; no amino-acid change (threonine 255 retained).
Molecular consequence: synonymous variant. On other transcripts: intron variant (5).
Genome position (GRCh38, 1-based): chr3:193,626,178, G>A. VCF-style: chr3-193626178-G-A. GRCh37 (hg19) VCF-style: chr3-193343967-G-A.
Other names: c.231G>A, p.Thr77= (NM_001354663.2); c.603G>A, p.Thr201= (NM_130833.3); c.657G>A, p.Thr219= (NM_130835.3); c.711G>A, p.Thr237= (NM_130836.3); c.253-5434G>A (NM_001354664.2); c.679-5434G>A (NM_130834.3); c.625-5434G>A (NM_015560.3); c.571-5434G>A (NM_130832.3); and 2 more.
Identifiers: ClinVar variation 1573692 (VCV001573692.10), dbSNP rs766088527, ClinGen allele CA2759136.